The following is an entry in ClinVar:

NM_000135.4(FANCA):c.2318G>A (p.Gly773Asp)

Gene: FANCA (FA complementation group A; minus strand). Cytogenetic location: 16q24.3.
Variant type: single nucleotide variant.
Coding change: c.2318G>A on transcript NM_000135.4 (MANE Select); coding-DNA position 2318, G replaced by A.
Protein change: p.Gly773Asp; replaces glycine 773 with aspartic acid.
Molecular consequence: missense variant.
Genome position (GRCh38, 1-based): chr16:89,770,023, C>T on the plus strand (G>A on the coding strand, the complement: FANCA is on the minus strand). VCF-style: chr16-89770023-C-T. GRCh37 (hg19) VCF-style: chr16-89836431-C-T.
Other names: c.2318G>A, p.Gly773Asp (NM_001286167.3); short protein forms G773D.
Identifiers: ClinVar variation 1462832 (VCV001462832.6), dbSNP rs2143333930, ClinGen allele CA397444678.

ClinVar aggregate classification (germline): Uncertain significance (1 of 4 stars; one submission).

Conditions:
Fanconi anemia (FA). Also called: Fanconi's anemia. Identifiers: Orphanet 84, MedGen C0015625, MeSH D005199, MONDO:0019391.

gnomAD v4.1: 1 of 1,613,158 alleles (0.000062%); highest among the groups gnomAD compares: Non-Finnish European, 0.000085%; no homozygotes.

Submission:

Labcorp Genetics (formerly Invitae), Labcorp
Classification: Uncertain significance for Fanconi anemia. Last evaluated: 2021-08-09. Review status: criteria provided, single submitter. Criteria: Invitae Variant Classification Sherloc (09022015). Collection method: clinical testing. Allele origin: germline.
Comment: This variant is not present in population databases (ExAC no frequency). This sequence change replaces glycine with aspartic acid at codon 773 of the FANCA protein (p.Gly773Asp). The glycine residue is moderately conserved and there is a moderate physicochemical difference between glycine and aspartic acid. This variant has not been reported in the literature in individuals affected with FANCA-related conditions. Algorithms developed to predict the effect of missense changes on protein structure and function are either unavailable or do not agree on the potential impact of this missense change (SIFT: "Deleterious"; PolyPhen-2: "Probably Damaging"; Align-GVGD: "Class C0"). In summary, the available evidence is currently insufficient to determine the role of this variant in disease. Therefore, it has been classified as a Variant of Uncertain Significance.